The following is an entry in ClinVar:

ClinVar aggregate classification (germline): Conflicting classifications of pathogenicity. Review status: criteria provided, conflicting classifications (1 of 4 stars). 4 submissions from 4 submitters: Uncertain significance (2); Likely benign (1). 1 of the submissions does not count toward it. Last evaluated 2025-10-28.

Conditions:
Hereditary breast ovarian cancer syndrome. Also called: Hereditary breast and ovarian cancer syndrome; Hereditary breast and ovarian cancer; Hereditary breast and ovarian cancer syndrome (HBOC); Breast and ovarian cancer; Hereditary breast and/or ovarian cancer syndrome; BRCA1- and BRCA2-Associated Hereditary Breast and Ovarian Cancer. Identifiers: Orphanet 145, MedGen C0677776, MeSH D061325, MONDO:0003582. Disease mechanism: loss of function.
Hereditary cancer-predisposing syndrome. Also called: Neoplastic Syndromes, Hereditary; Tumor predisposition; Hereditary neoplastic syndrome; Hereditary Cancer Syndrome. Identifiers: Orphanet 140162, MedGen C0027672, MeSH D009386, MONDO:0015356.
Breast-ovarian cancer, familial, susceptibility to, 2 (BROVCA2). Also called: BRCA2 Hereditary Breast and Ovarian Cancer. Identifiers: Orphanet 145, MedGen C2675520, MONDO:0012933, OMIM 612555. Disease mechanism: loss of function.

Allele frequency attached by ClinVar (database versions not stated): gnomAD exomes below 0.00001; TOPMed below 0.00001; ExAC 0.00001; gnomAD 0.00001.
gnomAD v4.1: 3 of 1,613,916 alleles (0.00019%); highest among the groups gnomAD compares: African/African-American, 0.0013%; no homozygotes.

Submissions (4):

Ambry Genetics
Classification: Uncertain significance for Hereditary cancer-predisposing syndrome. Last evaluated: 2025-10-28. Review status: criteria provided, single submitter. Criteria: Ambry Variant Classification Scheme 2023. Collection method: clinical testing. Allele origin: germline.
Comment: The p.K1964R variant (also known as c.5891A>G), located in coding exon 10 of the BRCA2 gene, results from an A to G substitution at nucleotide position 5891. The lysine at codon 1964 is replaced by arginine, an amino acid with highly similar properties. This amino acid position is not well conserved in available vertebrate species. In addition, this alteration is predicted to be tolerated by in silico analysis. Since supporting evidence is limited at this time, the clinical significance of this alteration remains unclear.

Labcorp Genetics (formerly Invitae), Labcorp
Classification: Uncertain significance for Hereditary breast ovarian cancer syndrome. Last evaluated: 2025-09-23. Review status: criteria provided, single submitter. Criteria: Invitae Variant Classification Sherloc (09022015). Collection method: clinical testing. Allele origin: germline.
Comment: This sequence change replaces lysine, which is basic and polar, with arginine, which is basic and polar, at codon 1964 of the BRCA2 protein (p.Lys1964Arg). This variant is present in population databases (rs80358821, gnomAD 0.0009%). This variant has not been reported in the literature in individuals affected with BRCA2-related conditions. ClinVar contains an entry for this variant (Variation ID: 51961). Invitae Evidence Modeling of protein sequence and biophysical properties (such as structural, functional, and spatial information, amino acid conservation, physicochemical variation, residue mobility, and thermodynamic stability) indicates that this missense variant is not expected to disrupt BRCA2 protein function with a negative predictive value of 95%. In summary, the available evidence is currently insufficient to determine the role of this variant in disease. Therefore, it has been classified as a Variant of Uncertain Significance.

University of Washington Department of Laboratory Medicine, University of Washington
Classification: Likely benign for Hereditary cancer-predisposing syndrome. Last evaluated: 2023-03-23. Review status: criteria provided, single submitter. Criteria: Dines et al. (Genet Med. 2020). Collection method: curation. Allele origin: germline.
Comment: Missense variant in a coldspot region where missense variants are very unlikely to be pathogenic (PMID:31911673).

BRCA2 exon 11 coldspot. Reclassification based on statistical prior probability.

Breast Cancer Information Core (BIC) (BRCA2)
Classification: Uncertain significance for Breast-ovarian cancer, familial 2. Last evaluated: 2004-02-20. Review status: no assertion criteria provided. Collection method: clinical testing. Allele origin: germline. Affected: yes. Observed: 1 variant allele. Not counted in ClinVar's aggregate classification.

NM_000059.4(BRCA2):c.5891A>G (p.Lys1964Arg)

Gene: BRCA2 (BRCA2 DNA repair associated; plus strand). Cytogenetic location: 13q13.1.
Variant type: single nucleotide variant.
Coding change: c.5891A>G on transcript NM_000059.4 (MANE Select); coding-DNA position 5891, A replaced by G.
Protein change: p.Lys1964Arg; replaces lysine 1964 with arginine.
Molecular consequence: missense variant.
Genome position (GRCh38, 1-based): chr13:32,340,246, A>G. VCF-style: chr13-32340246-A-G. GRCh37 (hg19) VCF-style: chr13-32914383-A-G.
Other names: short protein forms K1964R.
Identifiers: ClinVar variation 51961 (VCV000051961.17), dbSNP rs80358821, ClinGen allele CA023341.
Genomic context (GRCh38, chr13:32,340,246, plus strand): 5'-AAATATCACCTTGTGATGTTAGTTTGGAAACTTCAGATATATGTAAATGTAGTATAGGGA[A>G]GCTTCATAAGTCAGTCTCATCTGCAAATACTTGTGGGATTTTTAGCACAGCAAGTGGAAA-3'
Protein context (NP_000050.3, residues 1954-1974): TSDICKCSIG[Lys1964Arg]LHKSVSSANT